The following is an entry in ClinVar:

ClinVar aggregate classification (germline): Uncertain significance (1 of 4 stars; one submission).

Allele frequency attached by ClinVar (database versions not stated): gnomAD 0.00001.
gnomAD v4.1: 4 of 1,614,066 alleles (0.00025%); highest among the groups gnomAD compares: Non-Finnish European, 0.00017%; no homozygotes.

Submission:

Labcorp Genetics (formerly Invitae), Labcorp
Classification: Uncertain significance. Last evaluated: 2023-11-14. Review status: criteria provided, single submitter. Criteria: Invitae Variant Classification Sherloc (09022015). Collection method: clinical testing. Allele origin: germline.
Comment: This sequence change replaces arginine, which is basic and polar, with cysteine, which is neutral and slightly polar, at codon 249 of the WNT2B protein (p.Arg249Cys). This variant is present in population databases (no rsID available, gnomAD 0.004%). This variant has not been reported in the literature in individuals affected with WNT2B-related conditions. An algorithm developed to predict the effect of missense changes on protein structure and function (PolyPhen-2) suggests that this variant is likely to be disruptive. In summary, the available evidence is currently insufficient to determine the role of this variant in disease. Therefore, it has been classified as a Variant of Uncertain Significance.

NM_024494.3(WNT2B):c.745C>T (p.Arg249Cys)

Gene: WNT2B (Wnt family member 2B; plus strand). Cytogenetic location: 1p13.2.
Variant type: single nucleotide variant.
Coding change: c.745C>T on transcript NM_024494.3 (MANE Select); coding-DNA position 745, C replaced by T.
Protein change: p.Arg249Cys; replaces arginine 249 with cysteine.
Molecular consequence: missense variant.
Genome position (GRCh38, 1-based): chr1:112,517,184, C>T. VCF-style: chr1-112517184-C-T. GRCh37 (hg19) VCF-style: chr1-113059806-C-T.
Other names: c.469C>T, p.Arg157Cys (NM_001291880.1); c.688C>T, p.Arg230Cys (NM_004185.4); short protein forms R157C, R249C, R230C.
Identifiers: ClinVar variation 2800852 (VCV002800852.3), dbSNP rs1447837505, ClinGen allele CA341654547.